The following is an entry in ClinVar:

NM_033026.6(PCLO):c.932C>T (p.Pro311Leu)

Gene: PCLO (piccolo presynaptic cytomatrix protein; minus strand). Cytogenetic location: 7q21.11.
Variant type: single nucleotide variant.
Coding change: c.932C>T on transcript NM_033026.6 (MANE Select); coding-DNA position 932, C replaced by T.
Protein change: p.Pro311Leu; replaces proline 311 with leucine.
Molecular consequence: missense variant.
Genome position (GRCh38, 1-based): chr7:83,155,709, G>A on the plus strand (C>T on the coding strand, the complement: PCLO is on the minus strand). VCF-style: chr7-83155709-G-A. GRCh37 (hg19) VCF-style: chr7-82785025-G-A.
Other names: c.932C>T, p.Pro311Leu (NM_014510.3); short protein forms P311L.
Identifiers: ClinVar variation 2081278 (VCV002081278.4), dbSNP rs1399568961, ClinGen allele CA367918591.

ClinVar aggregate classification (germline): Uncertain significance (1 of 4 stars; one submission).

Allele frequency attached by ClinVar (database versions not stated): gnomAD exomes below 0.00001; TOPMed below 0.00001; gnomAD 0.00001.
gnomAD v4.1: 4 of 1,613,884 alleles (0.00025%); highest among the groups gnomAD compares: Non-Finnish European, 0.00034%; no homozygotes.

Submission:

Labcorp Genetics (formerly Invitae), Labcorp
Classification: Uncertain significance. Last evaluated: 2022-10-13. Review status: criteria provided, single submitter. Criteria: Invitae Variant Classification Sherloc (09022015). Collection method: clinical testing. Allele origin: germline.
Comment: This sequence change replaces proline, which is neutral and non-polar, with leucine, which is neutral and non-polar, at codon 311 of the PCLO protein (p.Pro311Leu). This variant is not present in population databases (gnomAD no frequency). This variant has not been reported in the literature in individuals affected with PCLO-related conditions. Algorithms developed to predict the effect of missense changes on protein structure and function are either unavailable or do not agree on the potential impact of this missense change (SIFT: "Deleterious"; PolyPhen-2: "Not Available"; Align-GVGD: "Class C0"). In summary, the available evidence is currently insufficient to determine the role of this variant in disease. Therefore, it has been classified as a Variant of Uncertain Significance.